The following is an entry in ClinVar:

NM_001555.5(IGSF1):c.2380C>T (p.Arg794Ter)

Gene: IGSF1 (immunoglobulin superfamily member 1; minus strand). Cytogenetic location: Xq26.1.
Variant type: single nucleotide variant.
Coding change: c.2380C>T on transcript NM_001555.5 (MANE Select); coding-DNA position 2380, C replaced by T.
Protein change: p.Arg794Ter; replaces arginine 794 with a stop codon.
Molecular consequence: nonsense.
Genome position (GRCh38, 1-based): chrX:131,277,167, G>A on the plus strand (C>T on the coding strand, the complement: IGSF1 is on the minus strand). VCF-style: chrX-131277167-G-A. GRCh37 (hg19) VCF-style: chrX-130411141-G-A.
Other names: c.2380C>T, p.Arg794Ter (NM_001438813.1, NM_001438815.1, NM_001438812.1); c.2395C>T, p.Arg799Ter (NM_001438814.1, NM_001170961.2, NM_001438811.1); c.2353C>T, p.Arg785Ter (NM_001170962.2); short protein forms R785*, R794*, R799*.
Identifiers: ClinVar variation 4854790 (VCV004854790.1).

ClinVar aggregate classification (germline): Pathogenic (1 of 4 stars; one submission).

Conditions:
IGSF1-related disorder. Also called: IGSF1-related condition.

gnomAD v4.1: 2 of 1,210,644 alleles (0.00017%); highest among the groups gnomAD compares: Non-Finnish European, 0.00022%; no homozygotes.

Submission:

3billion
Classification: Pathogenic for IGSF1-related disorder. Last evaluated: 2025-07-21. Review status: criteria provided, single submitter. Criteria: ACMG Guidelines, 2015. Collection method: clinical testing. Allele origin: germline. Affected: yes.
Comment: The variant is observed at an extremely low frequency in the gnomAD v4.1.0 dataset (total allele frequency: <0.001%). Predicted Consequence/Location: Stop-gained (nonsense): predicted to result in a loss or disruption of normal protein function through nonsense-mediated decay (NMD) or protein truncation. Multiple pathogenic variants are reported downstream of the variant. The variant has been reported to be associated with IGSF1-related disorder (PMID: 26840047). Therefore, this variant is classified as Pathogenic according to the recommendation of ACMG/AMP guideline.

Literature cited by the submitters: PubMed 26840047.